The following is an entry in ClinVar:

NM_001375524.1(TRRAP):c.1937C>T (p.Thr646Met)

Gene: TRRAP (transformation/transcription domain associated protein; plus strand). Cytogenetic location: 7q22.1.
Variant type: single nucleotide variant.
Coding change: c.1937C>T on transcript NM_001375524.1 (MANE Select); coding-DNA position 1937, C replaced by T.
Protein change: p.Thr646Met; replaces threonine 646 with methionine.
Molecular consequence: missense variant.
Genome position (GRCh38, 1-based): chr7:98,911,201, C>T. VCF-style: chr7-98911201-C-T. GRCh37 (hg19) VCF-style: chr7-98508824-C-T.
Other names: c.1937C>T, p.Thr646Met (NM_001244580.2, NM_003496.4); short protein forms T646M.
Identifiers: ClinVar variation 4192014 (VCV004192014.2).

ClinVar aggregate classification (germline): Uncertain significance. Review status: criteria provided, multiple submitters, no conflicts (2 of 4 stars). 2 submissions from 2 submitters: Uncertain significance (2). Last evaluated 2025-08-25.

Conditions:
Developmental delay with or without dysmorphic facies and autism. Identifiers: MedGen C5193106, MONDO:0032760, OMIM 618454.
Inborn genetic diseases. Identifiers: MedGen C0950123, MeSH D030342.

Submissions (2):

Ambry Genetics
Classification: Uncertain significance for Inborn genetic diseases. Last evaluated: 2025-08-25. Review status: criteria provided, single submitter. Criteria: Ambry Variant Classification Scheme 2023. Collection method: clinical testing. Allele origin: germline.

3billion
Classification: Uncertain significance for Developmental delay with or without dysmorphic facies and autism. Last evaluated: 2024-09-13. Review status: criteria provided, single submitter. Criteria: ACMG Guidelines, 2015. Collection method: clinical testing. Allele origin: germline. Affected: yes.
Comment: The variant is not observed in the gnomAD v4.0.0 dataset. Predicted Consequence/Location: Missense variant. Missense changes are a common disease-causing mechanism. Damaging effect on gene or gene product predicted by in silico programs is uncertain [REVEL: 0.54 (damaging >=0.6, benign <0.4), 3Cnet: 0.21 (damaging >=0.6, benign <0.15)]. Therefore, this variant is classified as VUS according to the recommendation of ACMG/AMP guideline.